The following is an entry in ClinVar:

NM_015559.3(SETBP1):c.1937T>A (p.Met646Lys)

Gene: SETBP1 (SET binding protein 1; plus strand). Cytogenetic location: 18q12.3.
Variant type: single nucleotide variant.
Coding change: c.1937T>A on transcript NM_015559.3 (MANE Select); coding-DNA position 1937, T replaced by A.
Protein change: p.Met646Lys; replaces methionine 646 with lysine.
Molecular consequence: missense variant.
Genome position (GRCh38, 1-based): chr18:44,951,277, T>A. VCF-style: chr18-44951277-T-A. GRCh37 (hg19) VCF-style: chr18-42531242-T-A.
Other names: c.1937T>A, p.Met646Lys (NM_001379141.1, NM_001379142.1); short protein forms M646K.
Identifiers: ClinVar variation 1309871 (VCV001309871.2), dbSNP rs1185403336, ClinGen allele CA402319985.

ClinVar aggregate classification (germline): Uncertain significance (1 of 4 stars; one submission).

Submission:

GeneDx
Classification: Uncertain significance. Last evaluated: 2019-11-05. Review status: criteria provided, single submitter. Criteria: GeneDx Variant Classification Process June 2021. Collection method: clinical testing. Allele origin: germline. Affected: yes.
Comment: Not observed in large population cohorts (Lek et al., 2016); In silico analysis, which includes protein predictors and evolutionary conservation, supports that this variant does not alter protein structure/function; Has not been previously published as pathogenic or benign to our knowledge